The following is an entry in ClinVar:

NM_007361.4(NID2):c.3100C>A (p.Pro1034Thr)

Gene: NID2 (nidogen 2; minus strand). Cytogenetic location: 14q22.1.
Variant type: single nucleotide variant.
Coding change: c.3100C>A on transcript NM_007361.4 (MANE Select); coding-DNA position 3100, C replaced by A.
Protein change: p.Pro1034Thr; replaces proline 1034 with threonine.
Molecular consequence: missense variant.
Genome position (GRCh38, 1-based): chr14:52,015,204, G>T on the plus strand (C>A on the coding strand, the complement: NID2 is on the minus strand). VCF-style: chr14-52015204-G-T. GRCh37 (hg19) VCF-style: chr14-52481922-G-T.
Other names: short protein forms P1034T.
Identifiers: ClinVar variation 4083968 (VCV004083968.8).
Genomic context (GRCh38, chr14:52,015,204, plus strand): 5'-ACTGCAGGGGGATGAAGTGGCCCAGGTCATCGCACTGGGGCACGTACTGGTCATCCCGGG[G>T]GGTGCCACCGTAGTGCTCCAGCAGGTTTTCCCTCCAGCGCTCACAGATGGTCGGGGGCCT-3'
Protein context (NP_031387.3, residues 1024-1044): ENLLEHYGGT[Pro1034Thr]RDDQYVPQCD

ClinVar aggregate classification (germline): Likely benign (1 of 4 stars; one submission).

gnomAD v4.1: 2,825 of 1,614,100 alleles (0.18%); highest among the groups gnomAD compares: Non-Finnish European, 0.22%; 5 homozygotes.

Submission:

CeGaT Center for Human Genetics Tuebingen
Classification: Likely benign. Last evaluated: 2025-07-01. Review status: criteria provided, single submitter. Criteria: CeGaT Center For Human Genetics Tuebingen Variant Classification Criteria Version 2. Collection method: clinical testing. Allele origin: germline. Affected: yes. Observed: 1 variant allele.
Comment: NID2: BP4